The following is an entry in ClinVar:

ClinVar aggregate classification (germline): Pathogenic (1 of 4 stars; one submission).

Conditions:
Neurofibromatosis, type 1 (NF1). Also called: Neurofibromatosis, type I; VON RECKLINGHAUSEN DISEASE; NEUROFIBROMATOSIS, TYPE I, SOMATIC; Peripheral type neurofibromatosis. Identifiers: Orphanet 636, MedGen C0027831, MONDO:0018975, OMIM 162200. Disease mechanism: loss of function.

Submission:

Labcorp Genetics (formerly Invitae), Labcorp
Classification: Pathogenic for Neurofibromatosis, type 1. Last evaluated: 2021-06-01. Review status: criteria provided, single submitter. Criteria: Invitae Variant Classification Sherloc (09022015). Collection method: clinical testing. Allele origin: germline.
Comment: This variant is a gross deletion of the genomic region encompassing exon(s) 2-35 of the NF1 gene. This deletion is out-of-frame, and is expected to create a premature translational stop signal and result in an absent or disrupted protein product. Loss-of-function variants in NF1 are known to be pathogenic (PMID: 10712197, 23913538). This variant has not been reported in the literature in individuals with NF1-related conditions. For these reasons, this variant has been classified as Pathogenic.

Literature cited by the submitters: PubMed 10712197; PubMed 23913538.

NC_000017.10:g.(?_29482991)_(29592377_?)del

Gene: NF1 (neurofibromin 1; plus strand). Cytogenetic location: 17q11.2.
Variant type: Deletion.
Identifiers: ClinVar variation 1458912 (VCV001458912.1).